The following is an entry in ClinVar:

NM_012418.4(FSCN2):c.1228G>A (p.Asp410Asn)

Gene: FSCN2 (fascin actin-bundling protein 2, retinal; plus strand). Cytogenetic location: 17q25.3.
Variant type: single nucleotide variant.
Coding change: c.1228G>A on transcript NM_012418.4 (MANE Select); coding-DNA position 1228, G replaced by A.
Protein change: p.Asp410Asn; replaces aspartic acid 410 with asparagine.
Molecular consequence: missense variant.
Genome position (GRCh38, 1-based): chr17:81,536,744, G>A. VCF-style: chr17-81536744-G-A. GRCh37 (hg19) VCF-style: chr17-79503770-G-A.
Other names: c.1300G>A, p.Asp434Asn (NM_001077182.3); short protein forms D410N, D434N.
Identifiers: ClinVar variation 1720952 (VCV001720952.5), dbSNP rs1186586476, ClinGen allele CA401478219.

ClinVar aggregate classification (germline): Uncertain significance (1 of 4 stars; one submission).

gnomAD v4.1: 7 of 1,610,564 alleles (0.00043%); highest among the groups gnomAD compares: Non-Finnish European, 0.00051%; no homozygotes.

Submission:

Labcorp Genetics (formerly Invitae), Labcorp
Classification: Uncertain significance. Last evaluated: 2022-10-04. Review status: criteria provided, single submitter. Criteria: Invitae Variant Classification Sherloc (09022015). Collection method: clinical testing. Allele origin: germline.
Comment: This sequence change replaces aspartic acid, which is acidic and polar, with asparagine, which is neutral and polar, at codon 434 of the FSCN2 protein (p.Asp434Asn). The frequency data for this variant in the population databases is considered unreliable, as metrics indicate poor data quality at this position in the gnomAD database. In summary, the available evidence is currently insufficient to determine the role of this variant in disease. Therefore, it has been classified as a Variant of Uncertain Significance. Algorithms developed to predict the effect of missense changes on protein structure and function are either unavailable or do not agree on the potential impact of this missense change (SIFT: "Deleterious"; PolyPhen-2: "Possibly Damaging"; Align-GVGD: "Class C0"). This variant has not been reported in the literature in individuals affected with FSCN2-related conditions.